The following is an entry in ClinVar:

ClinVar aggregate classification (germline): Conflicting classifications of pathogenicity. Review status: criteria provided, conflicting classifications (1 of 4 stars). 2 submissions from 2 submitters: Likely pathogenic (1); Uncertain significance (1). Last evaluated 2024-11-22.

Conditions:
Juvenile polyposis syndrome (JPS). Identifiers: Orphanet 2929, MedGen C0345893, MONDO:0017380, OMIM 174900.
Familial thoracic aortic aneurysm and aortic dissection (TAAD). Also called: Thoracic aortic aneurysms and dissections. Identifiers: Orphanet 91387, MedGen C4707243, MONDO:0019625.
Hereditary cancer-predisposing syndrome. Also called: Hereditary Cancer Syndrome; Neoplastic Syndromes, Hereditary; Hereditary neoplastic syndrome; Tumor predisposition. Identifiers: Orphanet 140162, MedGen C0027672, MeSH D009386, MONDO:0015356.

Submissions (2):

Labcorp Genetics (formerly Invitae), Labcorp
Classification: Uncertain significance for Juvenile polyposis syndrome. Last evaluated: 2024-11-22. Review status: criteria provided, single submitter. Criteria: Invitae Variant Classification Sherloc (09022015). Collection method: clinical testing. Allele origin: germline.
Comment: This sequence change replaces arginine, which is basic and polar, with glycine, which is neutral and non-polar, at codon 380 of the SMAD4 protein (p.Arg380Gly). RNA analysis indicates that this missense change induces altered splicing and may result in an absent or altered protein product. This variant is not present in population databases (gnomAD no frequency). This variant has not been reported in the literature in individuals affected with SMAD4-related conditions. ClinVar contains an entry for this variant (Variation ID: 818416). An algorithm developed to predict the effect of missense changes on protein structure and function (PolyPhen-2) suggests that this variant is likely to be disruptive. Studies have shown that this missense change results in partial deletion of exon 9, and produces a non-functional protein and/or introduces a premature termination codon (internal data). In summary, the available evidence is currently insufficient to determine the role of this variant in disease. Therefore, it has been classified as a Variant of Uncertain Significance.

Ambry Genetics
Classification: Likely pathogenic for Hereditary cancer-predisposing syndrome; Familial thoracic aortic aneurysm and aortic dissection. Last evaluated: 2023-08-30. Review status: criteria provided, single submitter. Criteria: Ambry Variant Classification Scheme 2023. Collection method: clinical testing. Allele origin: germline.
Comment: The c.1138A>G variant (also known as p.R380G), located in coding exon 8 of the SMAD4 gene, results from an A to G substitution at nucleotide position 1138. The arginine at codon 380 is replaced by glycine, an amino acid with dissimilar properties. This alteration has been observed in at least one individual with a personal and/or family history that is consistent with juvenile polyposis syndrome (Ambry internal data). This nucleotide position is highly conserved in available vertebrate species. In silico splice site analysis predicts that this alteration will weaken the native splice donor site. RNA studies have demonstrated that this alteration results in abnormal splicing in the set of samples tested (Ambry internal data). Based on the majority of available evidence to date, this variant is likely to be pathogenic.

NM_005359.6(SMAD4):c.1138A>G (p.Arg380Gly)

Gene: SMAD4 (SMAD family member 4; plus strand). Cytogenetic location: 18q21.2.
Variant type: single nucleotide variant.
Coding change: c.1138A>G on transcript NM_005359.6 (MANE Select); coding-DNA position 1138, A replaced by G.
Protein change: p.Arg380Gly; replaces arginine 380 with glycine.
Molecular consequence: missense variant.
Genome position (GRCh38, 1-based): chr18:51,065,605, A>G. VCF-style: chr18-51065605-A-G. GRCh37 (hg19) VCF-style: chr18-48591975-A-G.
Other names: short protein forms R380G.
Identifiers: ClinVar variation 818416 (VCV000818416.7), dbSNP rs1568208291, ClinGen allele CA402464617.